The following is an entry in ClinVar:

NM_004714.3(DYRK1B):c.1329G>A (p.Pro443=)

Gene: DYRK1B (dual specificity tyrosine phosphorylation regulated kinase 1B; minus strand). Cytogenetic location: 19q13.2.
Variant type: single nucleotide variant.
Coding change: c.1329G>A on transcript NM_004714.3 (MANE Select); coding-DNA position 1329, G replaced by A.
Protein change: p.Pro443=; no amino-acid change (proline 443 retained).
Molecular consequence: synonymous variant.
Genome position (GRCh38, 1-based): chr19:39,826,754, C>T on the plus strand (G>A on the coding strand, the complement: DYRK1B is on the minus strand). VCF-style: chr19-39826754-C-T. GRCh37 (hg19) VCF-style: chr19-40317394-C-T.
Other names: c.1209G>A, p.Pro403= (NM_006483.3); c.1245G>A, p.Pro415= (NM_006484.3).
Identifiers: ClinVar variation 3030999 (VCV003030999.2), dbSNP rs560281747, ClinGen allele CA308297413.

ClinVar aggregate classification (germline): Likely benign (0 of 4 stars; one submission).

Conditions:
DYRK1B-related disorder. Also called: DYRK1B-related condition.

Allele frequency attached by ClinVar (database versions not stated): TOPMed below 0.00001; gnomAD 0.00001; gnomAD exomes 0.00003.
gnomAD v4.1: 40 of 1,589,102 alleles (0.0025%); highest among the groups gnomAD compares: South Asian, 0.008%; no homozygotes.

Submission:

PreventionGenetics, part of Exact Sciences
Classification: Likely benign for DYRK1B-related condition. Last evaluated: 2024-01-29. Review status: no assertion criteria provided. Collection method: clinical testing. Allele origin: germline.
Comment: This variant is classified as likely benign based on ACMG/AMP sequence variant interpretation guidelines (Richards et al. 2015 PMID: 25741868, with internal and published modifications).